The following is an entry in ClinVar:

NM_000179.3(MSH6):c.1157C>T (p.Pro386Leu)

Gene: MSH6 (mutS homolog 6; plus strand). Cytogenetic location: 2p16.3.
Variant type: single nucleotide variant.
Coding change: c.1157C>T on transcript NM_000179.3 (MANE Select); coding-DNA position 1157, C replaced by T.
Protein change: p.Pro386Leu; replaces proline 386 with leucine.
Molecular consequence: missense variant.
Genome position (GRCh38, 1-based): chr2:47,799,140, C>T. VCF-style: chr2-47799140-C-T. GRCh37 (hg19) VCF-style: chr2-48026279-C-T.
Other names: c.1157C>T (NM_000179.2); c.767C>T, p.Pro256Leu (NM_001281492.2); c.251C>T, p.Pro84Leu (NM_001281493.2, NM_001281494.2); short protein forms P256L, P84L, P386L.
Identifiers: ClinVar variation 1512196 (VCV001512196.7), dbSNP rs2104323733, ClinGen allele CA346742242.

ClinVar aggregate classification (germline): Uncertain significance. Review status: criteria provided, multiple submitters, no conflicts (2 of 4 stars). 2 submissions from 2 submitters: Uncertain significance (2). Last evaluated 2024-09-15.

Conditions:
Hereditary cancer-predisposing syndrome. Also called: Hereditary neoplastic syndrome; Neoplastic Syndromes, Hereditary; Tumor predisposition; Hereditary Cancer Syndrome. Identifiers: Orphanet 140162, MedGen C0027672, MeSH D009386, MONDO:0015356.
Hereditary nonpolyposis colorectal neoplasms. Identifiers: MedGen C0009405, MeSH D003123.

Submissions (2):

Ambry Genetics
Classification: Uncertain significance for Hereditary cancer-predisposing syndrome. Last evaluated: 2024-09-15. Review status: criteria provided, single submitter. Criteria: Ambry Variant Classification Scheme 2023. Collection method: clinical testing. Allele origin: germline.
Comment: The p.P386L variant (also known as c.1157C>T), located in coding exon 4 of the MSH6 gene, results from a C to T substitution at nucleotide position 1157. The proline at codon 386 is replaced by leucine, an amino acid with similar properties. This amino acid position is conserved. In addition, this alteration is predicted to be tolerated by in silico analysis. Based on the available evidence, the clinical significance of this variant remains unclear.

Labcorp Genetics (formerly Invitae), Labcorp
Classification: Uncertain significance for Hereditary nonpolyposis colorectal neoplasms. Last evaluated: 2021-12-11. Review status: criteria provided, single submitter. Criteria: Invitae Variant Classification Sherloc (09022015). Collection method: clinical testing. Allele origin: germline.
Comment: This variant is not present in population databases (gnomAD no frequency). This sequence change replaces proline, which is neutral and non-polar, with leucine, which is neutral and non-polar, at codon 386 of the MSH6 protein (p.Pro386Leu). This variant has not been reported in the literature in individuals affected with MSH6-related conditions. In summary, the available evidence is currently insufficient to determine the role of this variant in disease. Therefore, it has been classified as a Variant of Uncertain Significance. Advanced modeling of protein sequence and biophysical properties (such as structural, functional, and spatial information, amino acid conservation, physicochemical variation, residue mobility, and thermodynamic stability) performed at Invitae indicates that this missense variant is not expected to disrupt MSH6 protein function.